The following is an entry in ClinVar:

NM_006892.4(DNMT3B):c.2243C>T (p.Ala748Val)

Gene: DNMT3B (DNA methyltransferase 3 beta; plus strand). Cytogenetic location: 20q11.21.
Variant type: single nucleotide variant.
Coding change: c.2243C>T on transcript NM_006892.4 (MANE Select); coding-DNA position 2243, C replaced by T.
Protein change: p.Ala748Val; replaces alanine 748 with valine.
Molecular consequence: missense variant. On other transcripts: intron variant (3).
Genome position (GRCh38, 1-based): chr20:32,805,349, C>T. VCF-style: chr20-32805349-C-T. GRCh37 (hg19) VCF-style: chr20-31393155-C-T.
Other names: c.2183C>T, p.Ala728Val (NM_175848.2); c.2219C>T, p.Ala740Val (NM_175850.3); c.2172-2413C>T (NM_175849.2); c.2046-2413C>T (NM_001207055.2); c.1944-2413C>T (NM_001207056.2); short protein forms A748V, A728V, A740V.
Identifiers: ClinVar variation 853864 (VCV000853864.7), dbSNP rs1273316071, ClinGen allele CA408592100.

ClinVar aggregate classification (germline): Uncertain significance (1 of 4 stars; one submission).

Conditions:
Centromeric instability of chromosomes 1,9 and 16 and immunodeficiency (ICF1). Also called: IMMUNE DEFICIENCY, VARIABLE, WITH CENTROMERIC INSTABILITY OF CHROMOSOMES 1, 9, AND 16; IMMUNODEFICIENCY SYNDROME, VARIABLE; Immunodeficiency-centromeric instability-facial anomalies; CENTROMERIC INSTABILITY, IMMUNODEFICIENCY SYNDROME. Identifiers: Orphanet 2268, MedGen C0398788, MONDO:0000133.

Allele frequency attached by ClinVar (database versions not stated): gnomAD exomes below 0.00001; TOPMed below 0.00001.
gnomAD v4.1: 1 of 1,614,136 alleles (0.000062%); highest among the groups gnomAD compares: Non-Finnish European, 0.000085%; no homozygotes.

Submission:

Labcorp Genetics (formerly Invitae), Labcorp
Classification: Uncertain significance for Centromeric instability of chromosomes 1,9 and 16 and immunodeficiency. Last evaluated: 2021-08-24. Review status: criteria provided, single submitter. Criteria: Invitae Variant Classification Sherloc (09022015). Collection method: clinical testing. Allele origin: germline.
Comment: This sequence change replaces alanine with valine at codon 748 of the DNMT3B protein (p.Ala748Val). The alanine residue is highly conserved and there is a small physicochemical difference between alanine and valine. This variant is not present in population databases (ExAC no frequency). This variant has not been reported in the literature in individuals affected with DNMT3B-related conditions. Algorithms developed to predict the effect of missense changes on protein structure and function are either unavailable or do not agree on the potential impact of this missense change (SIFT: "Deleterious"; PolyPhen-2: "Probably Damaging"; Align-GVGD: "Class C0"). In summary, the available evidence is currently insufficient to determine the role of this variant in disease. Therefore, it has been classified as a Variant of Uncertain Significance.